The following is an entry in ClinVar:

NM_181840.1(KCNK18):c.696T>G (p.His232Gln)

Gene: KCNK18 (potassium two pore domain channel subfamily K member 18; plus strand). Cytogenetic location: 10q25.3.
Variant type: single nucleotide variant.
Coding change: c.696T>G on transcript NM_181840.1 (MANE Select); coding-DNA position 696, T replaced by G.
Protein change: p.His232Gln; replaces histidine 232 with glutamine.
Molecular consequence: missense variant.
Genome position (GRCh38, 1-based): chr10:117,209,840, T>G. VCF-style: chr10-117209840-T-G. GRCh37 (hg19) VCF-style: chr10-118969351-T-G.
Other names: short protein forms H232Q.
Identifiers: ClinVar variation 2159884 (VCV002159884.4), dbSNP rs1447571740, ClinGen allele CA378509325.
Genomic context (GRCh38, chr10:117,209,840, plus strand): 5'-CAAACTTGGCACATGTCCTTCACGCCCAAGCTGCAGCATGGAGCTGTTTGAGAGATCTCA[T>G]GCGCTAGAGAAACAGAACACACTGCAACTGCCCCCACAAGCCATGGAGAGGAGTAACTCG-3'
Protein context (NP_862823.1, residues 222-242): SCSMELFERS[His232Gln]ALEKQNTLQL

ClinVar aggregate classification (germline): Uncertain significance (1 of 4 stars; one submission).

gnomAD v4.1: 15 of 1,614,150 alleles (0.00093%); highest among the groups gnomAD compares: African/African-American, 0.0013%; no homozygotes.

Submission:

Labcorp Genetics (formerly Invitae), Labcorp
Classification: Uncertain significance. Last evaluated: 2022-08-10. Review status: criteria provided, single submitter. Criteria: Invitae Variant Classification Sherloc (09022015). Collection method: clinical testing. Allele origin: germline.
Comment: In summary, the available evidence is currently insufficient to determine the role of this variant in disease. Therefore, it has been classified as a Variant of Uncertain Significance. Algorithms developed to predict the effect of missense changes on protein structure and function (SIFT, PolyPhen-2, Align-GVGD) all suggest that this variant is likely to be tolerated. This variant has not been reported in the literature in individuals affected with KCNK18-related conditions. This variant is present in population databases (no rsID available, gnomAD 0.007%). This sequence change replaces histidine, which is basic and polar, with glutamine, which is neutral and polar, at codon 232 of the KCNK18 protein (p.His232Gln).